The following is an entry in ClinVar:

ClinVar aggregate classification (germline): Conflicting classifications of pathogenicity. Review status: criteria provided, conflicting classifications (1 of 4 stars). 3 submissions from 3 submitters: Uncertain significance (2); Likely benign (1). Last evaluated 2025-07-11.

Conditions:
Inborn genetic diseases. Identifiers: MedGen C0950123, MeSH D030342.
Radioulnar synostosis with amegakaryocytic thrombocytopenia 2 (RUSAT2). Also called: RADIOULNAR SYNOSTOSIS AND AMEGAKARYOCYTIC THROMBOCYTOPENIA 2. Identifiers: Orphanet 71289, MedGen C4225221, MONDO:0014758, OMIM 616738.

gnomAD v4.1: 8 of 1,614,054 alleles (0.0005%); highest among the groups gnomAD compares: Non-Finnish European, 0.00068%; no homozygotes.

Submissions (3):

Labcorp Genetics (formerly Invitae), Labcorp
Classification: Uncertain significance. Last evaluated: 2025-07-11. Review status: criteria provided, single submitter. Criteria: Invitae Variant Classification Sherloc (09022015). Collection method: clinical testing. Allele origin: germline.
Comment: This sequence change replaces phenylalanine, which is neutral and non-polar, with valine, which is neutral and non-polar, at codon 424 of the MECOM protein (p.Phe424Val). This variant is present in population databases (no rsID available, gnomAD 0.0009%). This variant has not been reported in the literature in individuals affected with MECOM-related conditions. ClinVar contains an entry for this variant (Variation ID: 3124829). An algorithm developed to predict the effect of missense changes on protein structure and function (PolyPhen-2) suggests that this variant is likely to be tolerated. In summary, the available evidence is currently insufficient to determine the role of this variant in disease. Therefore, it has been classified as a Variant of Uncertain Significance.

Ambry Genetics
Classification: Uncertain significance for Inborn genetic diseases. Last evaluated: 2024-12-04. Review status: criteria provided, single submitter. Criteria: Ambry Variant Classification Scheme 2023. Collection method: clinical testing. Allele origin: germline.
Comment: The p.F612V variant (also known as c.1834T>G), located in coding exon 8 of the MECOM gene, results from a T to G substitution at nucleotide position 1834. The phenylalanine at codon 612 is replaced by valine, an amino acid with highly similar properties. This amino acid position is conserved. In addition, this alteration is predicted to be tolerated by in silico analysis. Based on the available evidence, the clinical significance of this variant remains unclear.

Department of Pathology and Laboratory Medicine, Sinai Health System
Classification: Likely benign for Radioulnar synostosis with amegakaryocytic thrombocytopenia 2. Last evaluated: 2020-06-02. Review status: criteria provided, single submitter. Criteria: ACMG Guidelines, 2015. Collection method: research. Allele origin: germline.

NM_004991.4(MECOM):c.1834T>G (p.Phe612Val)

Gene: MECOM (MDS1 and EVI1 complex locus; minus strand). Cytogenetic location: 3q26.2.
Variant type: single nucleotide variant.
Coding change: c.1834T>G on transcript NM_004991.4 (MANE Select); coding-DNA position 1834, T replaced by G.
Protein change: p.Phe612Val; replaces phenylalanine 612 with valine.
Molecular consequence: missense variant. On other transcripts: intron variant (2).
Genome position (GRCh38, 1-based): chr3:169,116,038, A>C on the plus strand (T>G on the coding strand, the complement: MECOM is on the minus strand). VCF-style: chr3-169116038-A-C. GRCh37 (hg19) VCF-style: chr3-168833826-A-C.
Other names: c.1465T>G, p.Phe489Val (NM_001105077.4); c.1270T>G, p.Phe424Val (NM_001105078.4, NM_001164000.2, NM_001205194.2 and 4 more transcripts); c.1273T>G, p.Phe425Val (NM_001163999.2, NM_001366467.2, NM_001366468.2 and 1 more transcripts); c.1834T>G, p.Phe612Val (NM_001366466.2); c.1133-271T>G (NM_001366473.2); c.569-271T>G (NM_001366474.2); short protein forms F489V, F612V, F425V, F424V.
Identifiers: ClinVar variation 3124829 (VCV003124829.5), dbSNP rs1309343892, ClinGen allele CA355061008.